The following is an entry in ClinVar:

ClinVar aggregate classification (germline): Likely pathogenic (1 of 4 stars; one submission).

Submission:

Labcorp Genetics (formerly Invitae), Labcorp
Classification: Likely pathogenic. Last evaluated: 2023-12-19. Review status: criteria provided, single submitter. Criteria: Invitae Variant Classification Sherloc (09022015). Collection method: clinical testing. Allele origin: germline.
Comment: This variant results in the deletion of part of exon 2 (c.13-1_13del) of the SLC25A12 gene. It is expected to disrupt RNA splicing. Variants that disrupt the donor or acceptor splice site typically lead to a loss of protein function (PMID: 16199547), and loss-of-function variants in SLC25A12 are known to be pathogenic (PMID: 20015484, 31403263). This variant is not present in population databases (gnomAD no frequency). This variant has not been reported in the literature in individuals affected with SLC25A12-related conditions. Algorithms developed to predict the effect of sequence changes on RNA splicing suggest that this variant may disrupt the consensus splice site. In summary, the currently available evidence indicates that the variant is pathogenic, but additional data are needed to prove that conclusively. Therefore, this variant has been classified as Likely Pathogenic.

Literature cited by the submitters: PubMed 16199547; PubMed 20015484; PubMed 31403263.

NM_003705.5(SLC25A12):c.13-1_13del

Gene: SLC25A12 (solute carrier family 25 member 12; minus strand). Cytogenetic location: 2q31.1.
Variant type: Deletion.
Coding change: c.13-1_13del on transcript NM_003705.5 (MANE Select); the canonical splice acceptor site of the intron before coding-DNA position 13 through coding-DNA position 13, 2 bases deleted (GG; older notation c.13-1_13delGG).
Molecular consequence: splice acceptor variant.
Genome position (GRCh38, 1-based): chr2:171,893,258-171,893,259, CC deleted on the plus strand (GG on the coding strand, the reverse complement: SLC25A12 is on the minus strand). VCF-style (leftmost placement, unchanged base first): chr2-171893257-ACC-A. GRCh37 (hg19) VCF-style: chr2-172749767-ACC-A.
Identifiers: ClinVar variation 2704123 (VCV002704123.3), dbSNP rs2545312955, ClinGen allele CA2697551364.
Genomic context (GRCh38, chr2:171,893,257, plus strand): 5'-CAATTTACCTGTAGAAATATGTTTCTTAACTCATGAGGATCCCCTCGCTTAGTTGTCTGC[ACC>A]TGTAAGCAAAAAAGAAAAAAAAGCCAGTTAATGCTTCACTAGAGACCACACAATCTCTTC-3'